The following is an entry in ClinVar:

ClinVar aggregate classification (germline): Uncertain significance (1 of 4 stars; one submission).

Conditions:
Beckwith-Wiedemann syndrome (BWS). Also called: EMG SYNDROME; Exomphalos macroglossia gigantism syndrome. Identifiers: Orphanet 116, MedGen C0004903, MONDO:0007534, OMIM 130650.

Submission:

Labcorp Genetics (formerly Invitae), Labcorp
Classification: Uncertain significance for Beckwith-Wiedemann syndrome. Last evaluated: 2023-10-18. Review status: criteria provided, single submitter. Criteria: Invitae Variant Classification Sherloc (09022015). Collection method: clinical testing. Allele origin: germline.
Comment: This sequence change replaces alanine, which is neutral and non-polar, with threonine, which is neutral and polar, at codon 51 of the CDKN1C protein (p.Ala51Thr). This variant is not present in population databases (gnomAD no frequency). This variant has not been reported in the literature in individuals affected with CDKN1C-related conditions. Advanced modeling of protein sequence and biophysical properties (such as structural, functional, and spatial information, amino acid conservation, physicochemical variation, residue mobility, and thermodynamic stability) has been performed at Invitae for this missense variant, however the output from this modeling did not meet the statistical confidence thresholds required to predict the impact of this variant on CDKN1C protein function. In summary, the available evidence is currently insufficient to determine the role of this variant in disease. Therefore, it has been classified as a Variant of Uncertain Significance.

NM_001122630.2(CDKN1C):c.118G>A (p.Ala40Thr)

Gene: CDKN1C (cyclin dependent kinase inhibitor 1C; minus strand). Cytogenetic location: 11p15.4.
Variant type: single nucleotide variant.
Coding change: c.118G>A on transcript NM_001122630.2 (MANE Select); coding-DNA position 118, G replaced by A.
Protein change: p.Ala40Thr; replaces alanine 40 with threonine.
Molecular consequence: missense variant.
Genome position (GRCh38, 1-based): chr11:2,885,339, C>T on the plus strand (G>A on the coding strand, the complement: CDKN1C is on the minus strand). VCF-style: chr11-2885339-C-T. GRCh37 (hg19) VCF-style: chr11-2906569-C-T.
Other names: c.151G>A, p.Ala51Thr (NM_000076.2, NM_001362474.2); c.118G>A, p.Ala40Thr (NM_001122631.2, NM_001362475.2); short protein forms A40T, A51T.
Identifiers: ClinVar variation 2769703 (VCV002769703.3), dbSNP rs1848975816, ClinGen allele CA379147598.